The following is an entry in ClinVar:

NM_030974.4(SHARPIN):c.738_739del (p.His247fs)

Gene: SHARPIN (SHANK associated RH domain interactor; minus strand). Cytogenetic location: 8q24.3.
Variant type: Deletion.
Coding change: c.738_739del on transcript NM_030974.4 (MANE Select); coding-DNA positions 738 to 739, 2 bases deleted (CC; older notation c.738_739delCC).
Protein change: p.His247fs; shifts the reading frame from histidine 247.
Molecular consequence: frameshift variant. On other transcripts: non-coding transcript variant (1).
Genome position (GRCh38, 1-based): chr8:144,099,539-144,099,540, GG deleted on the plus strand (CC on the coding strand, the reverse complement: SHARPIN is on the minus strand); deleting any 2 consecutive bases within chr8:144,099,539-144,099,543 gives the same sequence; the c. name uses the placement nearest the transcript's 3' end. VCF-style (leftmost placement, unchanged base first): chr8-144099538-TGG-T. GRCh37 (hg19) VCF-style: chr8-145154441-TGG-T.
Other names: short protein forms H247fs.
Identifiers: ClinVar variation 4818857 (VCV004818857.1).
Genomic context (GRCh38, chr8:144,099,538, plus strand): 5'-CCCTGGCAGGGCTCCCCAGACCCTGTGCCCACCTGCTCCTGGAGAGCTGCAACAGTGCAG[TGG>T]GGGTGGACCTGCAGGGCAACGTGTGCAGAGGACGCGGCGGATGCGGCAGAGGCAGCGTCT-3'

ClinVar aggregate classification (germline): Pathogenic (1 of 4 stars; one submission).

Conditions:
Sharpin-related autoinflammatory syndrome. Identifiers: MedGen CN378144, MONDO:1040029.

Submission:

Clinical Genetics Laboratory, Skane University Hospital Lund
Classification: Pathogenic for Sharpin-related autoinflammatory syndrome. Last evaluated: 2026-03-26. Review status: criteria provided, single submitter. Criteria: ACMG Guidelines, 2015. Collection method: clinical testing. Allele origin: biparental. Inheritance: Autosomal recessive inheritance. Affected: yes.
Comment: ACMG criteria applied: PVS1, PM2 and PM3_supporting.